The following is an entry in ClinVar:

ClinVar aggregate classification (germline): Uncertain significance (1 of 4 stars; one submission).

Submission:

GeneDx
Classification: Uncertain significance. Last evaluated: 2026-02-19. Review status: criteria provided, single submitter. Criteria: GeneDx Variant Classification Process June 2021. Collection method: clinical testing. Allele origin: germline.
Comment: Not observed at significant frequency in large population cohorts (gnomAD); In silico analysis supports that this missense variant has a deleterious effect on protein structure/function; Has not been previously published as pathogenic or benign to our knowledge

NM_000069.3(CACNA1S):c.1682C>T (p.Ser561Phe)

Gene: CACNA1S (calcium voltage-gated channel subunit alpha1 S; minus strand). Cytogenetic location: 1q32.1.
Variant type: single nucleotide variant.
Coding change: c.1682C>T on transcript NM_000069.3 (MANE Select); coding-DNA position 1682, C replaced by T.
Protein change: p.Ser561Phe; replaces serine 561 with phenylalanine.
Molecular consequence: missense variant.
Genome position (GRCh38, 1-based): chr1:201,077,065, G>A on the plus strand (C>T on the coding strand, the complement: CACNA1S is on the minus strand). VCF-style: chr1-201077065-G-A. GRCh37 (hg19) VCF-style: chr1-201046193-G-A.
Other names: short protein forms S561F.
Identifiers: ClinVar variation 5009638 (VCV005009638.1).